The following is an entry in ClinVar:

NM_000448.3(RAG1):c.2428A>T (p.Ile810Phe)

Gene: RAG1 (recombination activating 1; plus strand). Cytogenetic location: 11p12.
Variant type: single nucleotide variant.
Coding change: c.2428A>T on transcript NM_000448.3 (MANE Select); coding-DNA position 2428, A replaced by T.
Protein change: p.Ile810Phe; replaces isoleucine 810 with phenylalanine.
Molecular consequence: missense variant.
Genome position (GRCh38, 1-based): chr11:36,575,732, A>T. VCF-style: chr11-36575732-A-T. GRCh37 (hg19) VCF-style: chr11-36597282-A-T.
Other names: c.2428A>T, p.Ile810Phe (NM_001377277.1, NM_001377278.1, NM_001377279.1 and 1 more transcripts); short protein forms I810F.
Identifiers: ClinVar variation 1937245 (VCV001937245.3), dbSNP rs61752933, ClinGen allele CA380154700.

ClinVar aggregate classification (germline): Uncertain significance (1 of 4 stars; one submission).

Conditions:
Severe combined immunodeficiency, autosomal recessive, T cell-negative, B cell-negative, NK cell-positive. Also called: Severe combined immunodeficiency due to complete RAG1/2 deficiency; SCID, T CELL-NEGATIVE, B CELL-NEGATIVE, NK CELL-POSITIVE; SCID, AR, T-cell negative, B-cell negative, NK cell-positive. Identifiers: Orphanet 331206, MedGen C1832322, MONDO:0011086, OMIM 601457.
Combined immunodeficiency with skin granulomas. Identifiers: Orphanet 157949, MedGen C2673536, MONDO:0009306, OMIM 233650.

Submission:

Labcorp Genetics (formerly Invitae), Labcorp
Classification: Uncertain significance for Combined immunodeficiency with skin granulomas; Severe combined immunodeficiency, autosomal recessive, T cell-negative, B cell-negative, NK cell-positive. Last evaluated: 2025-12-23. Review status: criteria provided, single submitter. Criteria: Invitae Variant Classification Sherloc (09022015). Collection method: clinical testing. Allele origin: germline.
Comment: This sequence change replaces isoleucine, which is neutral and non-polar, with phenylalanine, which is neutral and non-polar, at codon 810 of the RAG1 protein (p.Ile810Phe). This variant is not present in population databases (gnomAD no frequency). This variant has not been reported in the literature in individuals affected with RAG1-related conditions. ClinVar contains an entry for this variant (Variation ID: 1937245). Invitae Evidence Modeling of protein sequence and biophysical properties (such as structural, functional, and spatial information, amino acid conservation, physicochemical variation, residue mobility, and thermodynamic stability) indicates that this missense variant is not expected to disrupt RAG1 protein function with a negative predictive value of 80%. In summary, the available evidence is currently insufficient to determine the role of this variant in disease. Therefore, it has been classified as a Variant of Uncertain Significance.